The following is an entry in ClinVar:

NM_000166.6(GJB1):c.705C>A (p.Phe235Leu)

Gene: GJB1 (gap junction protein beta 1; plus strand). Cytogenetic location: Xq13.1.
Variant type: single nucleotide variant.
Coding change: c.705C>A on transcript NM_000166.6 (MANE Select); coding-DNA position 705, C replaced by A.
Protein change: p.Phe235Leu; replaces phenylalanine 235 with leucine.
Molecular consequence: missense variant.
Genome position (GRCh38, 1-based): chrX:71,224,412, C>A. VCF-style: chrX-71224412-C-A. GRCh37 (hg19) VCF-style: chrX-70444262-C-A.
Other names: c.705C>A, p.Phe235Leu (NM_001097642.3); short protein forms F235L.
Identifiers: ClinVar variation 1028588 (VCV001028588.2), dbSNP rs760150310, ClinGen allele CA413503620.

ClinVar aggregate classification (germline): Uncertain significance. Review status: criteria provided, multiple submitters, no conflicts (2 of 4 stars). 2 submissions from 2 submitters: Uncertain significance (2). Last evaluated 2023-05-16.

Conditions:
Charcot-Marie-Tooth disease X-linked dominant 1. Also called: HEREDITARY MOTOR AND SENSORY NEUROPATHY, X-LINKED; HMSN, X-LINKED; Charcot-Marie-Tooth Neuropathy X Type 1; X-linked Charcot-Marie-Tooth disease type 1; GJB1 Disorders: Charcot-Marie-Tooth Neuropathy (CMT1X) and Central Nervous System Phenotypes; CHARCOT-MARIE-TOOTH NEUROPATHY, X-LINKED, 1. Identifiers: Orphanet 101075, MedGen C0393808, MONDO:0010549, OMIM 302800.

gnomAD v4.1: 1 of 1,209,996 alleles (0.000083%); highest among the groups gnomAD compares: Middle Eastern, 0.023%; no homozygotes.

Submissions (2):

Women's Health and Genetics/Laboratory Corporation of America, LabCorp
Classification: Uncertain significance. Last evaluated: 2023-05-16. Review status: criteria provided, single submitter. Criteria: LabCorp Variant Classification Summary - May 2015. Collection method: clinical testing. Allele origin: germline.
Comment: Variant summary: GJB1 c.705C>A (p.Phe235Leu) results in a non-conservative amino acid change in the encoded protein sequence. Four of five in-silico tools predict a benign effect of the variant on protein function. The variant was absent in 176950 control chromosomes. The available data on variant occurrences in the general population are insufficient to allow any conclusion about variant significance. To our knowledge, no occurrence of c.705C>A in individuals affected with Charcot-Marie-Tooth disease X-linked dominant 1 and no experimental evidence demonstrating its impact on protein function have been reported. One clinical diagnostic laboratory has submitted clinical-significance assessments for this variant to ClinVar after 2014 without evidence for independent evaluation, and classified it as uncertain significance. Based on the evidence outlined above, the variant was classified as uncertain significance.

Baylor Genetics
Classification: Uncertain significance for Charcot-Marie-Tooth disease X-linked dominant 1. Last evaluated: 2020-04-14. Review status: criteria provided, single submitter. Criteria: ACMG Guidelines, 2015. Collection method: clinical testing. Allele origin: unknown. Affected: yes.
Comment: This variant was determined to be of uncertain significance according to ACMG Guidelines, 2015 [PMID:25741868].